The following is an entry in ClinVar:

NM_138927.4(SON):c.4846del (p.Thr1616fs)

Gene: SON (SON DNA and RNA binding protein; plus strand). Cytogenetic location: 21q22.11.
Variant type: Deletion.
Coding change: c.4846del on transcript NM_138927.4 (MANE Select); coding-DNA position 4846, one base deleted (A; older notation c.4846delA).
Protein change: p.Thr1616fs; shifts the reading frame from threonine 1616.
Molecular consequence: frameshift variant. On other transcripts: non-coding transcript variant (1), intron variant (1).
Genome position (GRCh38, 1-based): chr21:33,554,077, A deleted. VCF-style (leftmost placement, unchanged base first): chr21-33554076-CA-C. GRCh37 (hg19) VCF-style: chr21-34926382-CA-C.
Other names: c.4846del, p.Thr1616fs (NM_001291411.2, NM_032195.3); c.245-3079del (NM_001291412.3); short protein forms T1616fs.
Identifiers: ClinVar variation 4820654 (VCV004820654.1).

ClinVar aggregate classification (germline): Likely pathogenic (1 of 4 stars; one submission).

Conditions:
ZTTK syndrome (ZTTKS). Also called: ZTTK MULTIPLE CONGENITAL ANOMALIES-MENTAL RETARDATION SYNDROME; Zhu-Tokita-Takenouchi-Kim Syndrome. Identifiers: Orphanet 500150, MedGen C4310696, MONDO:0014936, OMIM 617140.

Submission:

Molecular Genetics Laboratory, Motol Hospital
Classification: Likely pathogenic for ZTTK syndrome. Last evaluated: 2026-04-11. Review status: criteria provided, single submitter. Criteria: ACMG Guidelines, 2015. Collection method: clinical testing. Allele origin: de novo. Inheritance: Sporadic. Affected: yes. Observed: 1 variant allele, 1 heterozygote.
Comment: A rare variant not present in non-Finnish European population. Rare truncating variants in the SON gene are associated with ZTTK syndrome. The variant is classified as likely pathogenic (ACMG PVS1, PS2, PM2).

Literature cited by the submitters: PubMed 27545676; PubMed 27545680; PubMed 34521999.